The following is an entry in ClinVar:

NM_001378778.1(MPDZ):c.1085G>A (p.Arg362Gln)

Gene: MPDZ (multiple PDZ domain crumbs cell polarity complex component; minus strand). Cytogenetic location: 9p23.
Variant type: single nucleotide variant.
Coding change: c.1085G>A on transcript NM_001378778.1 (MANE Select); coding-DNA position 1085, G replaced by A.
Protein change: p.Arg362Gln; replaces arginine 362 with glutamine.
Molecular consequence: missense variant.
Genome position (GRCh38, 1-based): chr9:13,219,560, C>T on the plus strand (G>A on the coding strand, the complement: MPDZ is on the minus strand). VCF-style: chr9-13219560-C-T. GRCh37 (hg19) VCF-style: chr9-13219559-C-T.
Other names: c.1085G>A (NM_003829.3); c.1085G>A, p.Arg362Gln (NM_001261406.2, NM_001261407.2, NM_001330637.2 and 14 more transcripts); short protein forms R362Q.
Identifiers: ClinVar variation 2414571 (VCV002414571.7), dbSNP rs777349702, ClinGen allele CA4987918.

ClinVar aggregate classification (germline): Uncertain significance. Review status: criteria provided, multiple submitters, no conflicts (2 of 4 stars). 2 submissions from 2 submitters: Uncertain significance (2). Last evaluated 2025-05-13.

Conditions:
Inborn genetic diseases. Identifiers: MedGen C0950123, MeSH D030342.

gnomAD v4.1: 24 of 1,610,948 alleles (0.0015%); highest among the groups gnomAD compares: Admixed American, 0.0033%; no homozygotes.

Submissions (2):

Ambry Genetics
Classification: Uncertain significance for Inborn genetic diseases. Last evaluated: 2025-05-13. Review status: criteria provided, single submitter. Criteria: Ambry Variant Classification Scheme 2023. Collection method: clinical testing. Allele origin: germline.

Labcorp Genetics (formerly Invitae), Labcorp
Classification: Uncertain significance. Last evaluated: 2024-04-22. Review status: criteria provided, single submitter. Criteria: Invitae Variant Classification Sherloc (09022015). Collection method: clinical testing. Allele origin: germline.
Comment: This sequence change replaces arginine, which is basic and polar, with glutamine, which is neutral and polar, at codon 362 of the MPDZ protein (p.Arg362Gln). This variant is present in population databases (rs777349702, gnomAD 0.003%). This variant has not been reported in the literature in individuals affected with MPDZ-related conditions. ClinVar contains an entry for this variant (Variation ID: 2414571). Algorithms developed to predict the effect of missense changes on protein structure and function output the following: SIFT: "Not Available"; PolyPhen-2: "Benign"; Align-GVGD: "Not Available". The glutamine amino acid residue is found in multiple mammalian species, which suggests that this missense change does not adversely affect protein function. In summary, the available evidence is currently insufficient to determine the role of this variant in disease. Therefore, it has been classified as a Variant of Uncertain Significance.